The following is an entry in ClinVar:

ClinVar aggregate classification (germline): Uncertain significance (1 of 4 stars; one submission).

Conditions:
Cardiovascular phenotype. Identifiers: MedGen CN230736.

Allele frequency attached by ClinVar (database versions not stated): gnomAD exomes below 0.00001.
gnomAD v4.1: 1 of 1,605,072 alleles (0.000062%); highest among the groups gnomAD compares: South Asian, 0.0011%; no homozygotes.

Submission:

Ambry Genetics
Classification: Uncertain significance for Cardiovascular phenotype. Last evaluated: 2022-08-03. Review status: criteria provided, single submitter. Criteria: Ambry Variant Classification Scheme 2023. Collection method: clinical testing. Allele origin: germline.
Comment: The c.772+4A>C intronic variant results from an A to C substitution 4 nucleotides after coding exon 6 in the MYBPC3 gene. This nucleotide position is well conserved in available vertebrate species. In silico splice site analysis predicts that this alteration will not have any significant effect on splicing. Since supporting evidence is limited at this time, the clinical significance of this alteration remains unclear.

NM_000256.3(MYBPC3):c.772+4A>C

Gene: MYBPC3 (myosin binding protein C3; minus strand). Cytogenetic location: 11p11.2.
Variant type: single nucleotide variant.
Coding change: c.772+4A>C on transcript NM_000256.3 (MANE Select); 4 bases into the intron after coding-DNA position 772, A replaced by C.
Molecular consequence: intron variant.
Genome position (GRCh38, 1-based): chr11:47,348,420, T>G on the plus strand (A>C on the coding strand, the complement: MYBPC3 is on the minus strand). VCF-style: chr11-47348420-T-G. GRCh37 (hg19) VCF-style: chr11-47369971-T-G.
Identifiers: ClinVar variation 1760316 (VCV001760316.2), dbSNP rs2095896703, ClinGen allele CA1969341013.
Genomic context (GRCh38, chr11:47,348,420, plus strand): 5'-AGGAGGTAGGAGACCAGGACCCATGGGGAGCCCGAGCCCAGGACAGACACCAGGGCCCCC[T>G]CACCGTGGACAGTGAGATTGAAGTTGGAGCAGTCAAATTTGTCCTTGGTGGACACCTCAC-3'